The following is an entry in ClinVar:

NM_001134363.3(RBM20):c.3373G>A (p.Glu1125Lys)

Gene: RBM20 (RNA binding motif protein 20; plus strand). Cytogenetic location: 10q25.2.
Variant type: single nucleotide variant.
Coding change: c.3373G>A on transcript NM_001134363.3 (MANE Select); coding-DNA position 3373, G replaced by A.
Protein change: p.Glu1125Lys; replaces glutamic acid 1125 with lysine.
Molecular consequence: missense variant.
Genome position (GRCh38, 1-based): chr10:110,823,536, G>A. VCF-style: chr10-110823536-G-A. GRCh37 (hg19) VCF-style: chr10-112583294-G-A.
Other names: p.E1125K:GAA>AAA; short protein forms E1125K.
Identifiers: ClinVar variation 44009 (VCV000044009.76), dbSNP rs116908219, ClinGen allele CA133371.

ClinVar aggregate classification (germline): Benign/Likely benign. Review status: criteria provided, multiple submitters, no conflicts (2 of 4 stars). 18 submissions from 18 submitters: Benign (7); Likely benign (7). 4 of the submissions do not count toward it. Last evaluated 2026-08-01.

Conditions:
Arrhythmogenic right ventricular cardiomyopathy (ARVD). Also called: Arrhythmogenic Right Ventricular Cardiomyopathy (ARVC); Cardiomyopathy, ARVC; Arrhythmogenic right ventricular dysplasia; Arrhythmogenic cardiomyopathy. Identifiers: Orphanet 247, MedGen C0349788, MeSH D019571, MONDO:0016587. Disease mechanism: loss of function. Inheritance: Various modes of inheritance.
Long QT syndrome (LQTS). Identifiers: MedGen C0023976, MeSH D008133, MONDO:0002442. Disease mechanism: loss of function. Inheritance: Various modes of inheritance.
Cardiovascular phenotype. Identifiers: MedGen CN230736.
Cardiomyopathy (CMYO). Also called: Cardiomyopathies. Identifiers: Orphanet 167848, MedGen C0878544, MONDO:0004994, HP:0001638. Inheritance: Various modes of inheritance.
Dilated cardiomyopathy 1DD (CMD1DD). Identifiers: Orphanet 154, MedGen C2750995, MONDO:0013168, OMIM 613172.

Allele frequency attached by ClinVar (database versions not stated): TOPMed 0.00323; gnomAD 0.00333 and 0.00325; gnomAD exomes 0.00379 and 0.00362; ESP Exome Variant Server 0.00372; 1000 Genomes Project 0.00200; 1000 Genomes Project 30x 0.00203; ExAC 0.00373.
gnomAD v4.1: 5,809 of 1,545,238 alleles (0.38%); highest among the groups gnomAD compares: Middle Eastern, 0.45%; 20 homozygotes.

Submissions (18):

CeGaT Center for Human Genetics Tuebingen
Classification: Likely benign. Last evaluated: 2026-08-01. Review status: criteria provided, single submitter. Criteria: CeGaT Center For Human Genetics Tuebingen Variant Classification Criteria Version 2. Collection method: clinical testing. Allele origin: germline. Affected: yes. Observed: 46 variant alleles.
Comment: RBM20: BP4, BS2

Labcorp Genetics (formerly Invitae), Labcorp
Classification: Benign for Dilated cardiomyopathy 1DD. Last evaluated: 2026-02-04. Review status: criteria provided, single submitter. Criteria: Invitae Variant Classification Sherloc (09022015). Collection method: clinical testing. Allele origin: germline.

ARUP Laboratories, Molecular Genetics and Genomics, ARUP Laboratories
Classification: Likely benign for Dilated cardiomyopathy 1DD. Last evaluated: 2025-04-21. Review status: criteria provided, single submitter. Criteria: ARUP Molecular Germline Variant Investigation Process 2024. Collection method: clinical testing. Allele origin: germline.

Blueprint Genetics
Classification: Likely benign. Last evaluated: 2024-11-25. Review status: criteria provided, single submitter. Criteria: ACMG Guidelines, 2015. Collection method: clinical testing. Allele origin: germline.

Mayo Clinic Laboratories, Mayo Clinic
Classification: Benign. Last evaluated: 2022-12-07. Review status: criteria provided, single submitter. Criteria: ACMG Guidelines, 2015. Collection method: clinical testing. Allele origin: germline. Observed: 9 variant alleles.
Comment: BS1, BS2

Women's Health and Genetics/Laboratory Corporation of America, LabCorp
Classification: Benign. Last evaluated: 2020-03-30. Review status: criteria provided, single submitter. Criteria: LabCorp Variant Classification Summary - May 2015. Collection method: clinical testing. Allele origin: germline.
Comment: Variant summary: RBM20 c.3373G>A (p.Glu1125Lys) results in a conservative amino acid change in the encoded protein sequence. Four of five in-silico tools predict a benign effect of the variant on protein function. The variant allele was found at a frequency of 0.0036 in 156520 control chromosomes in the gnomAD database, including 4 homozygotes. The observed variant frequency is approximately 145-fold the estimated maximal expected allele frequency for a pathogenic variant in RBM20 causing Cardiomyopathy phenotype (2.5e-05), strongly suggesting that the variant is benign. c.3373G>A has been reported in the literature in individuals affected with Cardiomyopathy without strong evidence for causality (examples- Lopes_2013, Pugh_2014, Bottillo_2016, Jaaskelainen_2019). These reports do not provide unequivocal conclusions about association of the variant with Cardiomyopathy. To our knowledge, no experimental evidence demonstrating an impact on protein function has been reported. Nine clinical diagnostic laboratories have submitted clinical-significance assessments for this variant to ClinVar after 2014 without evidence for independent evaluation. They have cited the variant as benign (n=4), likely benign (n=4) and uncertain significance (n=1). Based on the evidence outlined above, the variant was classified as benign.

Mendelics
Classification: Likely benign for Dilated cardiomyopathy 1DD. Last evaluated: 2019-05-28. Review status: criteria provided, single submitter. Criteria: Mendelics Assertion Criteria 2017. Collection method: clinical testing. Allele origin: unknown.

Center for Advanced Laboratory Medicine, UC San Diego Health, University of California San Diego
Classification: Benign for Arrhythmogenic right ventricular cardiomyopathy; Long QT Syndrome. Last evaluated: 2019-03-18. Review status: criteria provided, single submitter. Criteria: ACMG Guidelines, 2015. Collection method: clinical testing. Allele origin: germline. Affected: yes. Observed: 2 variant alleles.

Ambry Genetics
Classification: Benign for Cardiovascular phenotype. Last evaluated: 2018-06-25. Review status: criteria provided, single submitter. Criteria: Ambry Variant Classification Scheme 2023. Collection method: clinical testing. Allele origin: germline.

GeneDx
Classification: Benign. Last evaluated: 2018-01-10. Review status: criteria provided, single submitter. Criteria: GeneDx Variant Classification (06012015). Collection method: clinical testing. Allele origin: germline. Affected: yes.
Comment: This variant is considered likely benign or benign based on one or more of the following criteria: it is a conservative change, it occurs at a poorly conserved position in the protein, it is predicted to be benign by multiple in silico algorithms, and/or has population frequency not consistent with disease.

CHEO Genetics Diagnostic Laboratory, Children's Hospital of Eastern Ontario
Classification: Likely benign for Cardiomyopathy. Last evaluated: 2017-08-18. Review status: criteria provided, single submitter. Criteria: ACMG Guidelines, 2015. Collection method: clinical testing. Allele origin: germline. Study: Canadian Open Genetics Repository.

Laboratory for Molecular Medicine, Mass General Brigham Personalized Medicine
Classification: Benign. Last evaluated: 2017-08-10. Review status: criteria provided, single submitter. Criteria: LMM Criteria. Collection method: clinical testing. Allele origin: germline. Observed: 15 variant alleles.
Comment: p.Glu1125Lys in exon 12 of RBM20: This variant is classified as benign because i t has been identified in 1.8% (157/8538) of Ashkenazi Jewish chromosomes, includ ing 4 homozygotes by the Genome Aggregation Database (gnomAD; dbSNP rs116908219).

Illumina Laboratory Services, Illumina
Classification: Likely benign for Dilated cardiomyopathy 1DD. Last evaluated: 2017-04-27. Review status: criteria provided, single submitter. Criteria: ICSL Variant Classification Criteria 13 December 2019. Collection method: clinical testing. Allele origin: germline.
Comment: This variant was observed as part of a predisposition screen in an ostensibly healthy population. A literature search was performed for the gene, cDNA change, and amino acid change (where applicable). Publications were found based on this search. The evidence from the literature, in combination with allele frequency data from public databases where available, was sufficient to determine this variant is unlikely to cause disease. Therefore, this variant is classified as likely benign.

Molecular Diagnostic Laboratory for Inherited Cardiovascular Disease, Montreal Heart Institute
Classification: Likely benign. Last evaluated: 2016-05-18. Review status: criteria provided, single submitter. Criteria: ACMG Guidelines, 2015. Collection method: clinical testing. Allele origin: germline. Affected: yes.

Clinical Genetics, Academic Medical Center
Classification: Benign. Review status: no assertion criteria provided. Collection method: clinical testing. Allele origin: germline. Affected: yes. Study: VKGL Data-share Consensus. Not counted in ClinVar's aggregate classification.

Diagnostic Laboratory, Department of Genetics, University Medical Center Groningen
Classification: Likely benign for Dilated cardiomyopathy 1DD. Review status: no assertion criteria provided. Collection method: clinical testing. Allele origin: germline. Affected: yes. Study: VKGL Data-share Consensus. Not counted in ClinVar's aggregate classification.

Genome Diagnostics Laboratory, University Medical Center Utrecht
Classification: Likely benign. Review status: no assertion criteria provided. Collection method: clinical testing. Allele origin: germline. Affected: yes. Study: VKGL Data-share Consensus. Not counted in ClinVar's aggregate classification.

Joint Genome Diagnostic Labs from Nijmegen and Maastricht, Radboudumc and MUMC+
Classification: Benign. Review status: no assertion criteria provided. Collection method: clinical testing. Allele origin: germline. Affected: yes. Study: VKGL Data-share Consensus. Not counted in ClinVar's aggregate classification.

Literature cited by the submitters: PubMed 23396983 (cited by Women's Health and Genetics/Laboratory Corporation of America, LabCorp); PubMed 24503780 (cited by Women's Health and Genetics/Laboratory Corporation of America, LabCorp); PubMed 26656175 (cited by Women's Health and Genetics/Laboratory Corporation of America, LabCorp); PubMed 30775854 (cited by Women's Health and Genetics/Laboratory Corporation of America, LabCorp); PubMed 26498160 (cited by Illumina Laboratory Services, Illumina); PubMed 27296017 (cited by Illumina Laboratory Services, Illumina).